The following is an entry in ClinVar:

ClinVar aggregate classification (germline): Conflicting classifications of pathogenicity. Review status: criteria provided, conflicting classifications (1 of 4 stars). 2 submissions from 2 submitters: Uncertain significance (1); Benign (1). Last evaluated 2025-01-23.

Allele frequency attached by ClinVar (database versions not stated): gnomAD exomes 0.00001 and 0.00004; ExAC 0.00002; gnomAD 0.00013 and 0.00014; TOPMed 0.00013; ESP Exome Variant Server 0.00016.

Submissions (2):

Labcorp Genetics (formerly Invitae), Labcorp
Classification: Uncertain significance. Last evaluated: 2025-01-23. Review status: criteria provided, single submitter. Criteria: Invitae Variant Classification Sherloc (09022015). Collection method: clinical testing. Allele origin: germline.
Comment: This sequence change creates a premature translational stop signal (p.Thr498Glnfs*6) in the ADGRE2 gene. It is expected to result in an absent or disrupted protein product. However, the current clinical and genetic evidence is not sufficient to establish whether loss-of-function variants in ADGRE2 cause disease. This variant is present in population databases (rs771415140, gnomAD 0.05%). This variant has not been reported in the literature in individuals affected with ADGRE2-related conditions. ClinVar contains an entry for this variant (Variation ID: 1685595). In summary, the available evidence is currently insufficient to determine the role of this variant in disease. Therefore, it has been classified as a Variant of Uncertain Significance.

Mendelics
Classification: Benign. Last evaluated: 2022-05-04. Review status: criteria provided, single submitter. Criteria: Mendelics Assertion Criteria 2019. Collection method: clinical testing. Allele origin: germline.

NM_013447.4(ADGRE2):c.1492del (p.Thr498fs)

Gene: ADGRE2 (adhesion G protein-coupled receptor E2; minus strand). Cytogenetic location: 19p13.12.
Variant type: Deletion.
Coding change: c.1492del on transcript NM_013447.4 (MANE Select); coding-DNA position 1492, one base deleted (A; older notation c.1492delA).
Protein change: p.Thr498fs; shifts the reading frame from threonine 498.
Molecular consequence: frameshift variant. On other transcripts: intron variant (1).
Genome position (GRCh38, 1-based): chr19:14,755,052, T deleted on the plus strand (A on the coding strand, the reverse complement: ADGRE2 is on the minus strand). VCF-style (leftmost placement, unchanged base first): chr19-14755051-GT-G. GRCh37 (hg19) VCF-style: chr19-14865863-GT-G.
Other names: c.1416+602del (NM_001271052.1); short protein forms T498fs.
Identifiers: ClinVar variation 1685595 (VCV001685595.5), dbSNP rs771415140, ClinGen allele CA9257692.